The following is an entry in ClinVar:

NM_001077418.3(TMEM231):c.777G>T (p.Gln259His)

Gene: TMEM231 (transmembrane protein 231; minus strand). Cytogenetic location: 16q23.1.
Variant type: single nucleotide variant.
Coding change: c.777G>T on transcript NM_001077418.3 (MANE Select); coding-DNA position 777, G replaced by T.
Protein change: p.Gln259His; replaces glutamine 259 with histidine.
Molecular consequence: missense variant. On other transcripts: non-coding transcript variant (1).
Genome position (GRCh38, 1-based): chr16:75,540,168, C>A on the plus strand (G>T on the coding strand, the complement: TMEM231 is on the minus strand). VCF-style: chr16-75540168-C-A. GRCh37 (hg19) VCF-style: chr16-75574066-C-A.
Other names: c.936G>T, p.Gln312His (NM_001077416.2); short protein forms Q259H, Q312H.
Identifiers: ClinVar variation 939662 (VCV000939662.9), dbSNP rs758048238, ClinGen allele CA396803176.

ClinVar aggregate classification (germline): Uncertain significance (1 of 4 stars; one submission).

Conditions:
Joubert syndrome 20 (JBTS20). Identifiers: Orphanet 475, MedGen C3554235, MONDO:0013994, OMIM 614970.
Meckel syndrome, type 11 (MKS11). Identifiers: Orphanet 564, MedGen C3809352, MONDO:0014164, OMIM 615397.

Submission:

Labcorp Genetics (formerly Invitae), Labcorp
Classification: Uncertain significance for Joubert syndrome 20; Meckel syndrome, type 11. Last evaluated: 2024-02-24. Review status: criteria provided, single submitter. Criteria: Invitae Variant Classification Sherloc (09022015). Collection method: clinical testing. Allele origin: germline.
Comment: This sequence change replaces glutamine, which is neutral and polar, with histidine, which is basic and polar, at codon 312 of the TMEM231 protein (p.Gln312His). This variant is not present in population databases (gnomAD no frequency). This variant has not been reported in the literature in individuals affected with TMEM231-related conditions. ClinVar contains an entry for this variant (Variation ID: 939662). Experimental studies and prediction algorithms are not available or were not evaluated, and the functional significance of this variant is currently unknown. Algorithms developed to predict the effect of sequence changes on RNA splicing suggest that this variant may create or strengthen a splice site. In summary, the available evidence is currently insufficient to determine the role of this variant in disease. Therefore, it has been classified as a Variant of Uncertain Significance.